The following is an entry in ClinVar:

NM_001079668.3(NKX2-1):c.506G>C (p.Gly169Ala)

Genes: NKX2-1 (NK2 homeobox 1; minus strand), SFTA3 (surfactant associated 3; minus strand). Cytogenetic location: 14q13.3.
Variant type: single nucleotide variant.
Coding change: c.506G>C on transcript NM_001079668.3 (MANE Select); coding-DNA position 506, G replaced by C.
Protein change: p.Gly169Ala; replaces glycine 169 with alanine.
Molecular consequence: missense variant.
Genome position (GRCh38, 1-based): chr14:36,517,978, C>G on the plus strand (G>C on the coding strand, the complement: NKX2-1 is on the minus strand). VCF-style: chr14-36517978-C-G. GRCh37 (hg19) VCF-style: chr14-36987183-C-G.
Other names: c.416G>C, p.Gly139Ala (NM_003317.4); short protein forms G139A, G169A.
Identifiers: ClinVar variation 4732251 (VCV004732251.1).

ClinVar aggregate classification (germline): Uncertain significance (1 of 4 stars; one submission).

Submission:

Labcorp Genetics (formerly Invitae), Labcorp
Classification: Uncertain significance. Last evaluated: 2025-12-01. Review status: criteria provided, single submitter. Criteria: Invitae Variant Classification Sherloc (09022015). Collection method: clinical testing. Allele origin: germline.
Comment: This sequence change replaces glycine, which is neutral and non-polar, with alanine, which is neutral and non-polar, at codon 169 of the NKX2-1 protein (p.Gly169Ala). This variant is not present in population databases (gnomAD no frequency). This variant has not been reported in the literature in individuals affected with NKX2-1-related conditions. An algorithm developed to predict the effect of missense changes on protein structure and function (PolyPhen-2) suggests that this variant is likely to be disruptive. In summary, the available evidence is currently insufficient to determine the role of this variant in disease. Therefore, it has been classified as a Variant of Uncertain Significance.